The following is an entry in ClinVar:

ClinVar aggregate classification (germline): Uncertain significance (1 of 4 stars; one submission).

Conditions:
Inborn genetic diseases. Identifiers: MedGen C0950123, MeSH D030342.

Submission:

Ambry Genetics
Classification: Uncertain significance for Inborn genetic diseases. Last evaluated: 2025-06-25. Review status: criteria provided, single submitter. Criteria: Ambry Variant Classification Scheme 2023. Collection method: clinical testing. Allele origin: germline.
Comment: The p.G81V variant (also known as c.242G>T), located in coding exon 2 of the GATA2 gene, results from a G to T substitution at nucleotide position 242. The glycine at codon 81 is replaced by valine, an amino acid with dissimilar properties. This amino acid position is conserved. In addition, this alteration is predicted to be deleterious by in silico analysis. Based on the available evidence, the clinical significance of this variant remains unclear.

NM_032638.5(GATA2):c.242G>T (p.Gly81Val)

Gene: GATA2 (GATA binding protein 2; minus strand). Cytogenetic location: 3q21.3.
Variant type: single nucleotide variant.
Coding change: c.242G>T on transcript NM_032638.5 (MANE Select); coding-DNA position 242, G replaced by T.
Protein change: p.Gly81Val; replaces glycine 81 with valine.
Molecular consequence: missense variant.
Genome position (GRCh38, 1-based): chr3:128,486,356, C>A on the plus strand (G>T on the coding strand, the complement: GATA2 is on the minus strand). VCF-style: chr3-128486356-C-A. GRCh37 (hg19) VCF-style: chr3-128205199-C-A.
Other names: c.242G>T, p.Gly81Val (NM_001145661.2, NM_001145662.1); short protein forms G81V.
Identifiers: ClinVar variation 4262114 (VCV004262114.1).